The following is an entry in ClinVar:

ClinVar aggregate classification (germline): Uncertain significance (1 of 4 stars; one submission).

Conditions:
Cardiovascular phenotype. Identifiers: MedGen CN230736.
Hereditary cancer-predisposing syndrome. Also called: Neoplastic Syndromes, Hereditary; Tumor predisposition; Hereditary Cancer Syndrome; Hereditary neoplastic syndrome. Identifiers: Orphanet 140162, MedGen C0027672, MeSH D009386, MONDO:0015356.

Submission:

Ambry Genetics
Classification: Uncertain significance for Cardiovascular phenotype; Hereditary cancer-predisposing syndrome. Last evaluated: 2018-12-07. Review status: criteria provided, single submitter. Criteria: Ambry Variant Classification Scheme 2023. Collection method: clinical testing. Allele origin: germline.
Comment: The p.E1320D variant (also known as c.3960A>C), located in coding exon 29 of the NF1 gene, results from an A to C substitution at nucleotide position 3960. The glutamic acid at codon 1320 is replaced by aspartic acid, an amino acid with highly similar properties. This amino acid position is highly conserved in available vertebrate species. In addition, this alteration is predicted to be deleterious by in silico analysis. Since supporting evidence is limited at this time, the clinical significance of this alteration remains unclear.

NM_001042492.3(NF1):c.3960A>C (p.Glu1320Asp)

Gene: NF1 (neurofibromin 1; plus strand). Cytogenetic location: 17q11.2.
Variant type: single nucleotide variant.
Coding change: c.3960A>C on transcript NM_001042492.3 (MANE Select); coding-DNA position 3960, A replaced by C.
Protein change: p.Glu1320Asp; replaces glutamic acid 1320 with aspartic acid.
Molecular consequence: missense variant.
Genome position (GRCh38, 1-based): chr17:31,236,007, A>C. VCF-style: chr17-31236007-A-C. GRCh37 (hg19) VCF-style: chr17-29563025-A-C.
Other names: c.3960A>C, p.Glu1320Asp (NM_000267.4); short protein forms E1320D.
Identifiers: ClinVar variation 484053 (VCV000484053.5), dbSNP rs1555615564, ClinGen allele CA398993303.